The following is an entry in ClinVar:

ClinVar aggregate classification (germline): Pathogenic (1 of 4 stars; one submission).

Submission:

Labcorp Genetics (formerly Invitae), Labcorp
Classification: Pathogenic. Last evaluated: 2023-05-30. Review status: criteria provided, single submitter. Criteria: Invitae Variant Classification Sherloc (09022015). Collection method: clinical testing. Allele origin: germline.
Comment: This sequence change affects a donor splice site in intron 35 of the ABCA4 gene. It is expected to disrupt RNA splicing. Variants that disrupt the donor or acceptor splice site typically lead to a loss of protein function (PMID: 16199547), and loss-of-function variants in ABCA4 are known to be pathogenic (PMID: 10958761, 24938718, 25312043, 26780318). This variant is not present in population databases (gnomAD no frequency). Disruption of this splice site has been observed in individuals with Stargardt disease (PMID: 19074458, 28947085, 29925512). Studies have shown that disruption of this splice site alters mRNA splicing and is expected to lead to the loss of protein expression (PMID: 28118664). For these reasons, this variant has been classified as Pathogenic.

Literature cited by the submitters: PubMed 16199547; PubMed 10958761; PubMed 24938718; PubMed 25312043; PubMed 26780318; PubMed 19074458; PubMed 28947085; PubMed 29925512; PubMed 28118664.

NM_000350.3(ABCA4):c.5018+1G>T

Genes: ABCA4 (ATP binding cassette subfamily A member 4; minus strand), LOC126805793 (CDK7 strongly-dependent group 2 enhancer GRCh37_chr1:94486302-94487501; plus strand). Cytogenetic location: 1p22.1.
Variant type: single nucleotide variant.
Coding change: c.5018+1G>T on transcript NM_000350.3 (MANE Select); the canonical splice donor site of the intron after coding-DNA position 5018, G replaced by T.
Molecular consequence: splice donor variant.
Genome position (GRCh38, 1-based): chr1:94,021,239, C>A on the plus strand (G>T on the coding strand, the complement: ABCA4 is on the minus strand). VCF-style: chr1-94021239-C-A. GRCh37 (hg19) VCF-style: chr1-94486795-C-A.
Identifiers: ClinVar variation 2844431 (VCV002844431.3), dbSNP rs2523692309, ClinGen allele CA341282884.